The following is an entry in ClinVar:

ClinVar aggregate classification (germline): Uncertain significance. Review status: criteria provided, multiple submitters, no conflicts (2 of 4 stars). 7 submissions from 7 submitters: Uncertain significance (7). Last evaluated 2025-11-23.

Conditions:
Familial adenomatous polyposis 1 (FAP1). Also called: POLYPOSIS, ADENOMATOUS INTESTINAL; FAMILIAL ADENOMATOUS POLYPOSIS 1, ATTENUATED. Identifiers: MedGen C2713442, MONDO:0021056, OMIM 175100. Disease mechanism: loss of function.
Desmoid disease, hereditary (DESMD). Also called: FIBROMATOSIS, FAMILIAL INFILTRATIVE. Identifiers: Orphanet 873, MedGen C1851124, OMIM 135290. Disease mechanism: loss of function.
Gastric adenocarcinoma and proximal polyposis of the stomach (GAPPS). Also called: POLYPOSIS, GASTRIC; Polyposis, gastric, Dos Santos and de Magalhaes 1980; Gastric Adenocarcinoma and Proximal Polyposis of the Stomach (GAPPS). Identifiers: Orphanet 314022, MedGen C4749917, MONDO:0017790, OMIM 619182.
Hepatocellular carcinoma (HCC). Also called: Primary carcinoma of liver; HEPATOMA; LIVER CELL CARCINOMA. Identifiers: Orphanet 88673, MedGen C2239176, MONDO:0007256, OMIM 114550, HP:0001402.
Gastric cancer. Also called: Stomach cancer; Malignant tumor of stomach. Identifiers: MedGen C0024623, MeSH D013274, MONDO:0001056, OMIM 613659, HP:0012126.
Colorectal cancer. Also called: Malignant Colorectal Neoplasm; Colorectal cancer, somatic. Identifiers: MedGen C0346629, MONDO:0005575, OMIM 114500.
Hereditary cancer-predisposing syndrome. Also called: Tumor predisposition; Hereditary Cancer Syndrome; Neoplastic Syndromes, Hereditary; Hereditary neoplastic syndrome. Identifiers: Orphanet 140162, MedGen C0027672, MeSH D009386, MONDO:0015356.

Allele frequency attached by ClinVar (database versions not stated): gnomAD exomes below 0.00001; ExAC 0.00001; TOPMed 0.00001.
gnomAD v4.1: 5 of 1,613,862 alleles (0.00031%); highest among the groups gnomAD compares: African/African-American, 0.0027%; no homozygotes.

Submissions (7):

Labcorp Genetics (formerly Invitae), Labcorp
Classification: Uncertain significance for Familial adenomatous polyposis 1. Last evaluated: 2025-11-23. Review status: criteria provided, single submitter. Criteria: Invitae Variant Classification Sherloc (09022015). Collection method: clinical testing. Allele origin: germline.
Comment: This sequence change replaces threonine, which is neutral and polar, with alanine, which is neutral and non-polar, at codon 2243 of the APC protein (p.Thr2243Ala). This variant is present in population databases (rs773539706, gnomAD 0.007%). This variant has not been reported in the literature in individuals affected with APC-related conditions. ClinVar contains an entry for this variant (Variation ID: 489485). Invitae Evidence Modeling of protein sequence and biophysical properties (such as structural, functional, and spatial information, amino acid conservation, physicochemical variation, residue mobility, and thermodynamic stability) indicates that this missense variant is not expected to disrupt APC protein function with a negative predictive value of 95%. In summary, the available evidence is currently insufficient to determine the role of this variant in disease. Therefore, it has been classified as a Variant of Uncertain Significance.

Ambry Genetics
Classification: Uncertain significance for Hereditary cancer-predisposing syndrome. Last evaluated: 2025-05-10. Review status: criteria provided, single submitter. Criteria: Ambry Variant Classification Scheme 2023. Collection method: clinical testing. Allele origin: germline.
Comment: The p.T2243A variant (also known as c.6727A>G), located in coding exon 15 of the APC gene, results from an A to G substitution at nucleotide position 6727. The threonine at codon 2243 is replaced by alanine, an amino acid with similar properties. This amino acid position is highly conserved in available vertebrate species. In addition, in silico predictors for this gene do not accurately predict pathogenicity. Since supporting evidence is limited at this time, the clinical significance of this alteration remains unclear.

Color Diagnostics, LLC DBA Color Health
Classification: Uncertain significance for Hereditary cancer-predisposing syndrome. Last evaluated: 2025-01-07. Review status: criteria provided, single submitter. Criteria: ACMG Guidelines, 2015. Collection method: clinical testing. Allele origin: germline.
Comment: This missense variant replaces threonine with alanine at codon 2243 of the APC protein. Computational prediction suggests that this variant may not impact protein structure and function. To our knowledge, functional studies have not been reported for this variant. This variant has not been reported in individuals affected with APC-related disorders in the literature. This variant has been identified in 1/250842 chromosomes in the general population by the Genome Aggregation Database (gnomAD). The available evidence is insufficient to determine the role of this variant in disease conclusively. Therefore, this variant is classified as a Variant of Uncertain Significance.

Blueprint Genetics
Classification: Uncertain significance. Last evaluated: 2024-08-19. Review status: criteria provided, single submitter. Criteria: ACMG Guidelines, 2015. Collection method: clinical testing. Allele origin: germline.

Fulgent Genetics
Classification: Uncertain significance for Colorectal cancer; Hepatocellular carcinoma; Desmoid disease, hereditary; Familial adenomatous polyposis 1; Gastric cancer; Gastric adenocarcinoma and proximal polyposis of the stomach. Last evaluated: 2024-06-19. Review status: criteria provided, single submitter. Criteria: ACMG Guidelines, 2015. Collection method: clinical testing. Allele origin: germline.

Baylor Genetics
Classification: Uncertain significance for Familial adenomatous polyposis 1. Last evaluated: 2023-12-17. Review status: criteria provided, single submitter. Criteria: ACMG Guidelines, 2015. Collection method: clinical testing. Allele origin: unknown.

GeneDx
Classification: Uncertain significance. Last evaluated: 2020-12-07. Review status: criteria provided, single submitter. Criteria: GeneDx Variant Classification Process June 2021. Collection method: clinical testing. Allele origin: germline. Affected: yes.
Comment: Not observed at a significant frequency in large population cohorts (Lek et al., 2016); In silico analysis supports that this missense variant does not alter protein structure/function; Has not been previously published as pathogenic or benign to our knowledge

NM_000038.6(APC):c.6727A>G (p.Thr2243Ala)

Gene: APC (APC regulator of Wnt signaling pathway; plus strand). Cytogenetic location: 5q22.2.
Variant type: single nucleotide variant.
Coding change: c.6727A>G on transcript NM_000038.6 (MANE Select); coding-DNA position 6727, A replaced by G.
Protein change: p.Thr2243Ala; replaces threonine 2243 with alanine.
Molecular consequence: missense variant.
Genome position (GRCh38, 1-based): chr5:112,842,321, A>G. VCF-style: chr5-112842321-A-G. GRCh37 (hg19) VCF-style: chr5-112178018-A-G.
Other names: c.6727A>G, p.Thr2243Ala (NM_001127510.3, NM_001354895.2); c.6673A>G, p.Thr2225Ala (NM_001127511.3); c.6781A>G, p.Thr2261Ala (NM_001354896.2); c.6757A>G, p.Thr2253Ala (NM_001354897.2); c.6652A>G, p.Thr2218Ala (NM_001354898.2); c.6643A>G, p.Thr2215Ala (NM_001354899.2); c.6604A>G, p.Thr2202Ala (NM_001354900.2); c.6550A>G, p.Thr2184Ala (NM_001354901.2); and 5 more; short protein forms T2225A, T2243A, T2152A, T2261A, T1960A, T2083A, T2142A, T2202A.
Identifiers: ClinVar variation 489485 (VCV000489485.27), dbSNP rs773539706, ClinGen allele CA045904.